The following is an entry in ClinVar:

ClinVar aggregate classification (germline): Uncertain significance. Review status: criteria provided, single submitter (1 of 4 stars). 2 submissions from 2 submitters: Uncertain significance (1). 1 of the submissions does not count toward it. Last evaluated 2024-12-03.

Conditions:
Familial focal epilepsy with variable foci (FPEVF). Identifiers: Orphanet 98820, MedGen C1858477, MONDO:0020310.
DEPDC5-related disorder. Also called: DEPDC5-related condition; DEPDC5-related related disorder.

Allele frequency attached by ClinVar (database versions not stated): gnomAD exomes below 0.00001; ExAC 0.00001; gnomAD 0.00001; TOPMed 0.00002.
gnomAD v4.1: 5 of 1,605,684 alleles (0.00031%); highest among the groups gnomAD compares: African/African-American, 0.0013%; no homozygotes.

Submissions (2):

Labcorp Genetics (formerly Invitae), Labcorp
Classification: Uncertain significance for Familial focal epilepsy with variable foci. Last evaluated: 2024-12-03. Review status: criteria provided, single submitter. Criteria: Invitae Variant Classification Sherloc (09022015). Collection method: clinical testing. Allele origin: germline.
Comment: This sequence change replaces glycine, which is neutral and non-polar, with arginine, which is basic and polar, at codon 339 of the DEPDC5 protein (p.Gly339Arg). This variant is present in population databases (rs761634410, gnomAD 0.006%). This variant has not been reported in the literature in individuals affected with DEPDC5-related conditions. ClinVar contains an entry for this variant (Variation ID: 1392662). Experimental studies and prediction algorithms are not available or were not evaluated, and the functional significance of this variant is currently unknown. In summary, the available evidence is currently insufficient to determine the role of this variant in disease. Therefore, it has been classified as a Variant of Uncertain Significance.

PreventionGenetics, part of Exact Sciences
Classification: Uncertain significance for DEPDC5-related condition. Last evaluated: 2024-09-18. Review status: no assertion criteria provided. Collection method: clinical testing. Allele origin: germline. Not counted in ClinVar's aggregate classification.
Comment: The DEPDC5 c.1015G>A variant is predicted to result in the amino acid substitution p.Gly339Arg. To our knowledge, this variant has not been reported in the literature. This variant is reported in 0.0058% of alleles in individuals of East Asian descent in gnomAD. At this time, the clinical significance of this variant is uncertain due to the absence of conclusive functional and genetic evidence.

NM_001242896.3(DEPDC5):c.1015G>A (p.Gly339Arg)

Gene: DEPDC5 (DEP domain containing 5, GATOR1 subcomplex subunit; plus strand). Cytogenetic location: 22q12.3.
Variant type: single nucleotide variant.
Coding change: c.1015G>A on transcript NM_001242896.3 (MANE Select); coding-DNA position 1015, G replaced by A.
Protein change: p.Gly339Arg; replaces glycine 339 with arginine.
Molecular consequence: missense variant. On other transcripts: non-coding transcript variant (5).
Genome position (GRCh38, 1-based): chr22:31,802,772, G>A. VCF-style: chr22-31802772-G-A. GRCh37 (hg19) VCF-style: chr22-32198758-G-A.
Other names: c.1015G>A, p.Gly339Arg (NM_001007188.4, NM_001136029.4, NM_001242897.2 and 7 more transcripts); c.931G>A, p.Gly311Arg (NM_001369901.1, NM_001369902.1); c.1015G>A (NM_001242896.1); short protein forms G311R, G339R.
Identifiers: ClinVar variation 1392662 (VCV001392662.7), dbSNP rs761634410, ClinGen allele CA10196201.